The following is an entry in ClinVar:

NM_000051.4(ATM):c.6295C>G (p.His2099Asp)

Genes: ATM (ATM serine/threonine kinase; plus strand), C11orf65 (chromosome 11 open reading frame 65; minus strand). Cytogenetic location: 11q22.3.
Variant type: single nucleotide variant.
Coding change: c.6295C>G on transcript NM_000051.4 (MANE Select); coding-DNA position 6295, C replaced by G.
Protein change: p.His2099Asp; replaces histidine 2099 with aspartic acid.
Molecular consequence: missense variant. On other transcripts: intron variant (2).
Genome position (GRCh38, 1-based): chr11:108,317,469, C>G. VCF-style: chr11-108317469-C-G. GRCh37 (hg19) VCF-style: chr11-108188196-C-G.
Other names: c.6295C>G, p.His2099Asp (NM_001351834.2); c.641-8398G>C (NM_001330368.2); c.*39-8398G>C (NM_001351110.2); short protein forms H2099D.
Identifiers: ClinVar variation 838627 (VCV000838627.32), dbSNP rs2084787307, ClinGen allele CA382552076.

ClinVar aggregate classification (germline): Uncertain significance. Review status: criteria provided, multiple submitters, no conflicts (2 of 4 stars). 2 submissions from 2 submitters: Uncertain significance (2). Last evaluated 2022-04-01.

Conditions:
Ataxia-telangiectasia syndrome (AT). Also called: ATAXIA-TELANGIECTASIA, COMPLEMENTATION GROUP A; ATAXIA-TELANGIECTASIA, FRESNO VARIANT; Ataxia-telangiectasia; Ataxia-telangiectasia, complementation group D; AT, COMPLEMENTATION GROUP C; Ataxia-telangiectasia, complementation group E. Identifiers: Orphanet 100, MedGen C0004135, MONDO:0008840, OMIM 208900.

Submissions (2):

CeGaT Center for Human Genetics Tuebingen
Classification: Uncertain significance. Last evaluated: 2022-04-01. Review status: criteria provided, single submitter. Criteria: CeGaT Center For Human Genetics Tuebingen Variant Classification Criteria Version 2. Collection method: clinical testing. Allele origin: germline. Affected: yes. Observed: 1 variant allele.
Comment: ATM: PM2, BP1, BP4

Labcorp Genetics (formerly Invitae), Labcorp
Classification: Uncertain significance for Ataxia-telangiectasia syndrome. Last evaluated: 2019-02-06. Review status: criteria provided, single submitter. Criteria: Invitae Variant Classification Sherloc (09022015). Collection method: clinical testing. Allele origin: germline.
Comment: Algorithms developed to predict the effect of missense changes on protein structure and function (SIFT, PolyPhen-2, Align-GVGD) all suggest that this variant is likely to be tolerated, but these predictions have not been confirmed by published functional studies and their clinical significance is uncertain. This variant has not been reported in the literature in individuals with ATM-related conditions. This variant is not present in population databases (ExAC no frequency). This sequence change replaces histidine with aspartic acid at codon 2099 of the ATM protein (p.His2099Asp). The histidine residue is weakly conserved and there is a moderate physicochemical difference between histidine and aspartic acid. In summary, the available evidence is currently insufficient to determine the role of this variant in disease. Therefore, it has been classified as a Variant of Uncertain Significance.